The following is an entry in ClinVar:

ClinVar aggregate classification (germline): Likely benign (1 of 4 stars; one submission).

Allele frequency attached by ClinVar (database versions not stated): gnomAD exomes below 0.00001.
gnomAD v4.1: 1 of 1,609,108 alleles (0.000062%); highest among the groups gnomAD compares: Non-Finnish European, 0.000085%; no homozygotes.

Submission:

GeneDx
Classification: Likely benign. Last evaluated: 2018-03-13. Review status: criteria provided, single submitter. Criteria: GeneDx Variant Classification (06012015). Collection method: clinical testing. Allele origin: germline. Affected: yes.
Comment: This variant is considered likely benign or benign based on one or more of the following criteria: it is a conservative change, it occurs at a poorly conserved position in the protein, it is predicted to be benign by multiple in silico algorithms, and/or has population frequency not consistent with disease.

NM_001042545.2(LTBP4):c.555G>T (p.Val185=)

Gene: LTBP4 (latent transforming growth factor beta binding protein 4; plus strand). Cytogenetic location: 19q13.2.
Variant type: single nucleotide variant.
Coding change: c.555G>T on transcript NM_001042545.2 (MANE Select); coding-DNA position 555, G replaced by T.
Protein change: p.Val185=; no amino-acid change (valine 185 retained).
Molecular consequence: synonymous variant.
Genome position (GRCh38, 1-based): chr19:40,605,517, G>T. VCF-style: chr19-40605517-G-T. GRCh37 (hg19) VCF-style: chr19-41111423-G-T.
Other names: c.756G>T, p.Val252= (NM_001042544.1); c.645G>T, p.Val215= (NM_003573.2).
Identifiers: ClinVar variation 516024 (VCV000516024.1), dbSNP rs1555730677, ClinGen allele CA507684537.